The following is an entry in ClinVar:

NM_015346.4(ZFYVE26):c.4160T>C (p.Leu1387Pro)

Gene: ZFYVE26 (zinc finger FYVE-type containing 26; minus strand). Cytogenetic location: 14q24.1.
Variant type: single nucleotide variant.
Coding change: c.4160T>C on transcript NM_015346.4 (MANE Select); coding-DNA position 4160, T replaced by C.
Protein change: p.Leu1387Pro; replaces leucine 1387 with proline.
Molecular consequence: missense variant.
Genome position (GRCh38, 1-based): chr14:67,782,992, A>G on the plus strand (T>C on the coding strand, the complement: ZFYVE26 is on the minus strand). VCF-style: chr14-67782992-A-G. GRCh37 (hg19) VCF-style: chr14-68249709-A-G.
Other names: short protein forms L1387P.
Identifiers: ClinVar variation 1432450 (VCV001432450.5), dbSNP rs1336592776, ClinGen allele CA390170715.
Genomic context (GRCh38, chr14:67,782,992, plus strand): 5'-GGAGAATGTAGGCCCAGGAGAACGGTAGAAAGACTGGCCCAACCACAGAGATTCACTGCC[A>G]GACTCTGCCCCTGCTGCAAAGACCCTCGCAGGGGCTCCCAGGCAGCCAGGAGGAAGGCCT-3'
Protein context (NP_056161.2, residues 1377-1397): LRGSLQQGQS[Leu1387Pro]AVNLCGWASL

ClinVar aggregate classification (germline): Uncertain significance (1 of 4 stars; one submission).

Conditions:
Spastic paraplegia. Identifiers: MedGen C0037772, HP:0001258.

Allele frequency attached by ClinVar (database versions not stated): gnomAD exomes below 0.00001.
gnomAD v4.1: 5 of 1,614,222 alleles (0.00031%); highest among the groups gnomAD compares: Non-Finnish European, 0.00034%; no homozygotes.

Submission:

Labcorp Genetics (formerly Invitae), Labcorp
Classification: Uncertain significance for Spastic paraplegia. Last evaluated: 2021-08-24. Review status: criteria provided, single submitter. Criteria: Invitae Variant Classification Sherloc (09022015). Collection method: clinical testing. Allele origin: germline.
Comment: This sequence change replaces leucine with proline at codon 1387 of the ZFYVE26 protein (p.Leu1387Pro). The leucine residue is highly conserved and there is a moderate physicochemical difference between leucine and proline. This variant is not present in population databases (ExAC no frequency). This variant has not been reported in the literature in individuals affected with ZFYVE26-related conditions. Algorithms developed to predict the effect of missense changes on protein structure and function are either unavailable or do not agree on the potential impact of this missense change (SIFT: "Deleterious"; PolyPhen-2: "Probably Damaging"; Align-GVGD: "Class C0"). In summary, the available evidence is currently insufficient to determine the role of this variant in disease. Therefore, it has been classified as a Variant of Uncertain Significance.